The following is an entry in ClinVar:

NM_005051.3(QARS1):c.2261A>G (p.Asp754Gly)

Gene: QARS1 (glutaminyl-tRNA synthetase 1; minus strand). Cytogenetic location: 3p21.31.
Variant type: single nucleotide variant.
Coding change: c.2261A>G on transcript NM_005051.3 (MANE Select); coding-DNA position 2261, A replaced by G.
Protein change: p.Asp754Gly; replaces aspartic acid 754 with glycine.
Molecular consequence: missense variant. On other transcripts: non-coding transcript variant (1).
Genome position (GRCh38, 1-based): chr3:49,098,008, T>C on the plus strand (A>G on the coding strand, the complement: QARS1 is on the minus strand). VCF-style: chr3-49098008-T-C. GRCh37 (hg19) VCF-style: chr3-49135441-T-C.
Other names: c.2228A>G, p.Asp743Gly (NM_001272073.2); c.2261A>G (NM_005051.1); short protein forms D754G, D743G.
Identifiers: ClinVar variation 544147 (VCV000544147.16), dbSNP rs142480574, ClinGen allele CA2391464.

ClinVar aggregate classification (germline): Uncertain significance. Review status: criteria provided, multiple submitters, no conflicts (2 of 4 stars). 5 submissions from 5 submitters: Uncertain significance (5). Last evaluated 2026-01-11.

Conditions:
Diffuse cerebral and cerebellar atrophy - intractable seizures - progressive microcephaly syndrome. Also called: Microcephaly, progressive, with seizures and cerebral and cerebellar atrophy. Identifiers: Orphanet 404437, MedGen C4014239, MONDO:0014335, OMIM 615760.
Inborn genetic diseases. Identifiers: MedGen C0950123, MeSH D030342.
QARS1-related disorder. Also called: QARS1-related condition.

Allele frequency attached by ClinVar (database versions not stated): TOPMed 0.00014; gnomAD 0.00022 and 0.00026; ESP Exome Variant Server 0.00031.

Submissions (5):

GeneDx
Classification: Uncertain significance. Last evaluated: 2026-01-11. Review status: criteria provided, single submitter. Criteria: GeneDx Variant Classification Process June 2021. Collection method: clinical testing. Allele origin: germline. Affected: yes.
Comment: In silico analysis supports that this missense variant has a deleterious effect on protein structure/function; Has not been previously published as pathogenic or benign to our knowledge

Ambry Genetics
Classification: Uncertain significance for Inborn genetic diseases. Last evaluated: 2025-09-28. Review status: criteria provided, single submitter. Criteria: Ambry Variant Classification Scheme 2023. Collection method: clinical testing. Allele origin: germline.

PreventionGenetics, part of Exact Sciences
Classification: Uncertain significance for QARS1-related condition. Last evaluated: 2025-09-13. Review status: criteria provided, single submitter. Criteria: ACMG Guidelines, 2015. Collection method: clinical testing. Allele origin: germline.
Comment: The QARS1 c.2261A>G variant is predicted to result in the amino acid substitution p.Asp754Gly. To our knowledge, this variant has not been reported in the literature. This variant is reported in 0.044% of alleles in individuals of European (Finnish) descent in gnomAD. At this time, the clinical significance of this variant is uncertain due to the absence of conclusive functional and genetic evidence.

Labcorp Genetics (formerly Invitae), Labcorp
Classification: Uncertain significance for Diffuse cerebral and cerebellar atrophy - intractable seizures - progressive microcephaly syndrome. Last evaluated: 2025-01-21. Review status: criteria provided, single submitter. Criteria: Invitae Variant Classification Sherloc (09022015). Collection method: clinical testing. Allele origin: germline.
Comment: This sequence change replaces aspartic acid, which is acidic and polar, with glycine, which is neutral and non-polar, at codon 754 of the QARS protein (p.Asp754Gly). This variant is present in population databases (rs142480574, gnomAD 0.04%). This variant has not been reported in the literature in individuals affected with QARS-related conditions. ClinVar contains an entry for this variant (Variation ID: 544147). Invitae Evidence Modeling of protein sequence and biophysical properties (such as structural, functional, and spatial information, amino acid conservation, physicochemical variation, residue mobility, and thermodynamic stability) has been performed for this missense variant. However, the output from this modeling did not meet the statistical confidence thresholds required to predict the impact of this variant on QARS protein function. In summary, the available evidence is currently insufficient to determine the role of this variant in disease. Therefore, it has been classified as a Variant of Uncertain Significance.

Fulgent Genetics
Classification: Uncertain significance for Diffuse cerebral and cerebellar atrophy - intractable seizures - progressive microcephaly syndrome. Last evaluated: 2021-10-21. Review status: criteria provided, single submitter. Criteria: ACMG Guidelines, 2015. Collection method: clinical testing. Allele origin: unknown.